The following is an entry in ClinVar:

NM_020975.6(RET):c.3021G>T (p.Lys1007Asn)

Gene: RET (ret proto-oncogene; plus strand). Cytogenetic location: 10q11.21.
Variant type: single nucleotide variant.
Coding change: c.3021G>T on transcript NM_020975.6 (MANE Select); coding-DNA position 3021, G replaced by T.
Protein change: p.Lys1007Asn; replaces lysine 1007 with asparagine.
Molecular consequence: missense variant.
Genome position (GRCh38, 1-based): chr10:43,124,964, G>T. VCF-style: chr10-43124964-G-T. GRCh37 (hg19) VCF-style: chr10-43620412-G-T.
Other names: c.3021G>T, p.Lys1007Asn (NM_000323.2, NM_001406743.1, NM_001406744.1 and 4 more transcripts); c.2259G>T, p.Lys753Asn (NM_001355216.2); c.2892G>T, p.Lys964Asn (NM_001406761.1, NM_001406762.1, NM_001406764.1); c.2886G>T, p.Lys962Asn (NM_001406763.1, NM_001406765.1); c.2733G>T, p.Lys911Asn (NM_001406766.1, NM_001406767.1, NM_001406770.1); c.2757G>T, p.Lys919Asn (NM_001406768.1); c.2625G>T, p.Lys875Asn (NM_001406769.1, NM_001406772.1); c.2583G>T, p.Lys861Asn (NM_001406771.1, NM_001406773.1); and 10 more; short protein forms K1007N, K753N, K677N, K911N, K612N, K663N, K668N, K708N.
Identifiers: ClinVar variation 188140 (VCV000188140.10), dbSNP rs786204098, ClinGen allele CA009170.

ClinVar aggregate classification (germline): Uncertain significance. Review status: criteria provided, multiple submitters, no conflicts (2 of 4 stars). 2 submissions from 2 submitters: Uncertain significance (2). Last evaluated 2021-10-31.

Conditions:
Hereditary cancer-predisposing syndrome. Also called: Neoplastic Syndromes, Hereditary; Tumor predisposition; Hereditary Cancer Syndrome; Hereditary neoplastic syndrome. Identifiers: Orphanet 140162, MedGen C0027672, MeSH D009386, MONDO:0015356.
Multiple endocrine neoplasia, type 2 (MEN2). Identifiers: Orphanet 653, MedGen C4048306, MONDO:0019003. Disease mechanism: gain of function.

Submissions (2):

Labcorp Genetics (formerly Invitae), Labcorp
Classification: Uncertain significance for Multiple endocrine neoplasia, type 2. Last evaluated: 2021-10-31. Review status: criteria provided, single submitter. Criteria: Invitae Variant Classification Sherloc (09022015). Collection method: clinical testing. Allele origin: germline.
Comment: In summary, the available evidence is currently insufficient to determine the role of this variant in disease. Therefore, it has been classified as a Variant of Uncertain Significance. This sequence change replaces lysine, which is basic and polar, with asparagine, which is neutral and polar, at codon 1007 of the RET protein (p.Lys1007Asn). This variant is not present in population databases (gnomAD no frequency). This variant has not been reported in the literature in individuals affected with RET-related conditions. ClinVar contains an entry for this variant (Variation ID: 188140). Algorithms developed to predict the effect of missense changes on protein structure and function are either unavailable or do not agree on the potential impact of this missense change (SIFT: "Deleterious"; PolyPhen-2: "Probably Damaging"; Align-GVGD: "Class C0").

Ambry Genetics
Classification: Uncertain significance for Hereditary cancer-predisposing syndrome. Last evaluated: 2021-08-25. Review status: criteria provided, single submitter. Criteria: Ambry Variant Classification Scheme 2023. Collection method: clinical testing. Allele origin: germline.
Comment: The p.K1007N variant (also known as c.3021G>T), located in coding exon 18 of the RET gene, results from a G to T substitution at nucleotide position 3021. The lysine at codon 1007 is replaced by asparagine, an amino acid with similar properties. This amino acid position is highly conserved in available vertebrate species. In addition, this alteration is predicted to be tolerated by in silico analysis. Since supporting evidence is limited at this time, the clinical significance of this alteration remains unclear.